The following is an entry in ClinVar:

ClinVar aggregate classification (germline): Uncertain significance (1 of 4 stars; one submission).

Conditions:
Autosomal recessive mendelian susceptibility to mycobacterial diseases due to complete RORgamma receptor deficiency. Also called: Immunodeficiency 42. Identifiers: Orphanet 477857, MedGen C5567647, MONDO:0014710, OMIM 616622.

Allele frequency attached by ClinVar (database versions not stated): gnomAD exomes below 0.00001 and 0.00001; gnomAD 0.00002; TOPMed 0.00003.
gnomAD v4.1: 5 of 1,614,010 alleles (0.00031%); highest among the groups gnomAD compares: African/African-American, 0.0053%; no homozygotes.

Submission:

Labcorp Genetics (formerly Invitae), Labcorp
Classification: Uncertain significance for Autosomal recessive mendelian susceptibility to mycobacterial diseases due to complete RORgamma receptor deficiency. Last evaluated: 2019-06-15. Review status: criteria provided, single submitter. Criteria: Invitae Variant Classification Sherloc (09022015). Collection method: clinical testing. Allele origin: germline.
Comment: This sequence change replaces phenylalanine with leucine at codon 233 of the RORC protein (p.Phe233Leu). The phenylalanine residue is weakly conserved and there is a small physicochemical difference between phenylalanine and leucine. This variant is not present in population databases (ExAC no frequency). In summary, the available evidence is currently insufficient to determine the role of this variant in disease. Therefore, it has been classified as a Variant of Uncertain Significance. Algorithms developed to predict the effect of missense changes on protein structure and function output the following: SIFT: "Tolerated"; PolyPhen-2: "Benign"; Align-GVGD: "Class C0". The leucine amino acid residue is found in multiple mammalian species, suggesting that this missense change does not adversely affect protein function. These predictions have not been confirmed by published functional studies and their clinical significance is uncertain. This variant has not been reported in the literature in individuals with RORC-related conditions.

NM_005060.4(RORC):c.697T>C (p.Phe233Leu)

Gene: RORC (RAR related orphan receptor C; minus strand). Cytogenetic location: 1q21.3.
Variant type: single nucleotide variant.
Coding change: c.697T>C on transcript NM_005060.4 (MANE Select); coding-DNA position 697, T replaced by C.
Protein change: p.Phe233Leu; replaces phenylalanine 233 with leucine.
Molecular consequence: missense variant.
Genome position (GRCh38, 1-based): chr1:151,815,027, A>G on the plus strand (T>C on the coding strand, the complement: RORC is on the minus strand). VCF-style: chr1-151815027-A-G. GRCh37 (hg19) VCF-style: chr1-151787503-A-G.
Other names: c.634T>C, p.Phe212Leu (NM_001001523.2); short protein forms F233L, F212L.
Identifiers: ClinVar variation 935326 (VCV000935326.9), dbSNP rs1007714530, ClinGen allele CA30498244.
Genomic context (GRCh38, chr1:151,815,027, plus strand): 5'-TGCCGTAGCTGTCTGGGCCCTGTCCCAGTTCCCCAAGCCCAGGATGCCTGTGTTCCTCAA[A>G]ACGAAGTCCACATCGGTCAGGGGTCAGCTGGCTGCCTGTGCTATAGAAGCTCTCTCTGCC-3'
Protein context (NP_005051.2, residues 223-243): QLTPDRCGLR[Phe233Leu]EEHRHPGLGE